The following is an entry in ClinVar:

ClinVar aggregate classification (germline): Uncertain significance (1 of 4 stars; one submission).

Conditions:
Primary ciliary dyskinesia 16. Also called: CILIARY DYSKINESIA, PRIMARY, 16, WITH OR WITHOUT SITUS INVERSUS. Identifiers: Orphanet 244, MedGen C3151460, MONDO:0013525, OMIM 614017.

Allele frequency attached by ClinVar (database versions not stated): gnomAD exomes below 0.00001 and 0.00002; gnomAD 0.00001; TOPMed 0.00002; ExAC 0.00003.
gnomAD v4.1: 7 of 1,492,040 alleles (0.00047%); highest among the groups gnomAD compares: Admixed American, 0.011%; no homozygotes.

Submission:

Labcorp Genetics (formerly Invitae), Labcorp
Classification: Uncertain significance for Primary ciliary dyskinesia 16. Last evaluated: 2024-01-19. Review status: criteria provided, single submitter. Criteria: Invitae Variant Classification Sherloc (09022015). Collection method: clinical testing. Allele origin: germline.
Comment: This sequence change replaces isoleucine, which is neutral and non-polar, with arginine, which is basic and polar, at codon 74 of the DNAL1 protein (p.Ile74Arg). This variant is present in population databases (rs781680294, gnomAD 0.02%). This variant has not been reported in the literature in individuals affected with DNAL1-related conditions. ClinVar contains an entry for this variant (Variation ID: 539288). An algorithm developed to predict the effect of missense changes on protein structure and function (PolyPhen-2) suggests that this variant is likely to be disruptive. In summary, the available evidence is currently insufficient to determine the role of this variant in disease. Therefore, it has been classified as a Variant of Uncertain Significance.

NM_031427.4(DNAL1):c.221T>G (p.Ile74Arg)

Gene: DNAL1 (dynein axonemal light chain 1; plus strand). Cytogenetic location: 14q24.3.
Variant type: single nucleotide variant.
Coding change: c.221T>G on transcript NM_031427.4 (MANE Select); coding-DNA position 221, T replaced by G.
Protein change: p.Ile74Arg; replaces isoleucine 74 with arginine.
Molecular consequence: missense variant.
Genome position (GRCh38, 1-based): chr14:73,671,554, T>G. VCF-style: chr14-73671554-T-G. GRCh37 (hg19) VCF-style: chr14-74138257-T-G.
Other names: c.104T>G, p.Ile35Arg (NM_001201366.2); short protein forms I74R, I35R.
Identifiers: ClinVar variation 539288 (VCV000539288.8), dbSNP rs781680294, ClinGen allele CA7261453.
Genomic context (GRCh38, chr14:73,671,554, plus strand): 5'-GTGTAATATGATTCTAGTAAACAAAAAAATGTTTTCTTTTCACTACAGAAAACTTGAGGA[T>G]ATTATCTTTAGGAAGAAACAACATAAAGAACTTAAATGGACTGGTAGGTTGTTATTTATT-3'
Protein context (NP_113615.2, residues 64-84): ANLNGLKNLR[Ile74Arg]LSLGRNNIKN